The following is an entry in ClinVar:

NM_001197104.2(KMT2A):c.2030G>A (p.Arg677Gln)

Gene: KMT2A (lysine methyltransferase 2A; plus strand). Cytogenetic location: 11q23.3.
Variant type: single nucleotide variant.
Coding change: c.2030G>A on transcript NM_001197104.2 (MANE Select); coding-DNA position 2030, G replaced by A.
Protein change: p.Arg677Gln; replaces arginine 677 with glutamine.
Molecular consequence: missense variant.
Genome position (GRCh38, 1-based): chr11:118,473,189, G>A. VCF-style: chr11-118473189-G-A. GRCh37 (hg19) VCF-style: chr11-118343904-G-A.
Other names: c.2030G>A, p.Arg677Gln (NM_005933.4); short protein forms R677Q.
Identifiers: ClinVar variation 1315551 (VCV001315551.10), dbSNP rs781995666, ClinGen allele CA6303472.

ClinVar aggregate classification (germline): Conflicting classifications of pathogenicity. Review status: criteria provided, conflicting classifications (1 of 4 stars). 3 submissions from 3 submitters: Uncertain significance (1); Likely benign (2). Last evaluated 2026-01-19.

Conditions:
Inborn genetic diseases. Identifiers: MedGen C0950123, MeSH D030342.

Allele frequency attached by ClinVar (database versions not stated): TOPMed below 0.00001; ExAC 0.00001; gnomAD exomes 0.00001; gnomAD 0.00002.
gnomAD v4.1: 7 of 1,613,690 alleles (0.00043%); highest among the groups gnomAD compares: Admixed American, 0.0067%; no homozygotes.

Submissions (3):

Labcorp Genetics (formerly Invitae), Labcorp
Classification: Uncertain significance. Last evaluated: 2026-01-19. Review status: criteria provided, single submitter. Criteria: Invitae Variant Classification Sherloc (09022015). Collection method: clinical testing. Allele origin: germline.
Comment: This sequence change replaces arginine, which is basic and polar, with glutamine, which is neutral and polar, at codon 677 of the KMT2A protein (p.Arg677Gln). This variant is present in population databases (rs781995666, gnomAD 0.009%). This variant has not been reported in the literature in individuals affected with KMT2A-related conditions. ClinVar contains an entry for this variant (Variation ID: 1315551). An algorithm developed to predict the effect of missense changes on protein structure and function outputs the following: PolyPhen-2: "Benign". The glutamine amino acid residue is found in multiple mammalian species, which suggests that this missense change does not adversely affect protein function. In summary, the available evidence is currently insufficient to determine the role of this variant in disease. Therefore, it has been classified as a Variant of Uncertain Significance.

Ambry Genetics
Classification: Likely benign for Inborn genetic diseases. Last evaluated: 2025-08-02. Review status: criteria provided, single submitter. Criteria: Ambry Variant Classification Scheme 2023. Collection method: clinical testing. Allele origin: germline.

GeneDx
Classification: Likely benign. Last evaluated: 2021-02-22. Review status: criteria provided, single submitter. Criteria: GeneDx Variant Classification Process June 2021. Collection method: clinical testing. Allele origin: germline. Affected: yes.
Comment: In silico analysis supports that this missense variant does not alter protein structure/function; Has not been previously published as pathogenic or benign to our knowledge